The following is an entry in ClinVar:

NM_003049.4(SLC10A1):c.981del (p.Glu328fs)

Gene: SLC10A1 (solute carrier family 10 member 1; minus strand). Cytogenetic location: 14q24.1.
Variant type: Deletion.
Coding change: c.981del on transcript NM_003049.4 (MANE Select); coding-DNA position 981, one base deleted (A; older notation c.981delA).
Protein change: p.Glu328fs; shifts the reading frame from glutamic acid 328.
Molecular consequence: frameshift variant.
Genome position (GRCh38, 1-based): chr14:69,776,351, T deleted on the plus strand (A on the coding strand, the reverse complement: SLC10A1 is on the minus strand); the first of 2 consecutive T bases (chr14:69,776,351-69,776,352); deleting either gives the same sequence. VCF-style (leftmost placement, unchanged base first): chr14-69776350-CT-C. GRCh37 (hg19) VCF-style: chr14-70243067-CT-C.
Other names: short protein forms E328fs.
Identifiers: ClinVar variation 4987771 (VCV004987771.1).

ClinVar aggregate classification (germline): Uncertain significance (1 of 4 stars; one submission).

Conditions:
SLC10A1-related disorder. Also called: SLC10A1-related condition.

Submission:

PreventionGenetics, part of Exact Sciences
Classification: Uncertain significance for SLC10A1-related condition. Last evaluated: 2024-10-13. Review status: criteria provided, single submitter. Criteria: ACMG Guidelines, 2015. Collection method: clinical testing. Allele origin: germline.
Comment: The SLC10A1 c.981delA variant is predicted to result in a frameshift and premature protein termination (p.Glu328Lysfs*44). To our knowledge, this variant has not been reported in the literature or in a large population database (gnomAD), indicating this variant is rare. This nonsense variant occurs near the 3’ end of the last SLC10A1 exon, and no clearly-established pathogenic variants have been documented downstream of this variant. Although we suspect that this variant may be pathogenic, at this time, the clinical significance of this variant is uncertain due to the absence of conclusive functional and genetic evidence.